The following is an entry in ClinVar:

ClinVar aggregate classification (germline): Likely pathogenic (1 of 4 stars; one submission).

Submission:

Labcorp Genetics (formerly Invitae), Labcorp
Classification: Likely pathogenic. Last evaluated: 2023-11-24. Review status: criteria provided, single submitter. Criteria: Invitae Variant Classification Sherloc (09022015). Collection method: clinical testing. Allele origin: germline.
Comment: This sequence change affects a donor splice site in intron 4 of the LRP2 gene. It is expected to disrupt RNA splicing. Variants that disrupt the donor or acceptor splice site typically lead to a loss of protein function (PMID: 16199547), and loss-of-function variants in LRP2 are known to be pathogenic (PMID: 17632512, 25682901). This variant is not present in population databases (gnomAD no frequency). This variant has not been reported in the literature in individuals affected with LRP2-related conditions. Algorithms developed to predict the effect of sequence changes on RNA splicing suggest that this variant may disrupt the consensus splice site. In summary, the currently available evidence indicates that the variant is pathogenic, but additional data are needed to prove that conclusively. Therefore, this variant has been classified as Likely Pathogenic.

Literature cited by the submitters: PubMed 16199547; PubMed 17632512; PubMed 25682901.

NM_004525.3(LRP2):c.427+2T>G

Gene: LRP2 (LDL receptor related protein 2; minus strand). Cytogenetic location: 2q31.1.
Variant type: single nucleotide variant.
Coding change: c.427+2T>G on transcript NM_004525.3 (MANE Select); the canonical splice donor site of the intron after coding-DNA position 427, T replaced by G.
Molecular consequence: splice donor variant.
Genome position (GRCh38, 1-based): chr2:169,307,279, A>C on the plus strand (T>G on the coding strand, the complement: LRP2 is on the minus strand). VCF-style: chr2-169307279-A-C. GRCh37 (hg19) VCF-style: chr2-170163789-A-C.
Identifiers: ClinVar variation 2698437 (VCV002698437.3), dbSNP rs2528617056, ClinGen allele CA349168190.